The following is an entry in ClinVar:

ClinVar aggregate classification (germline): Uncertain significance (1 of 4 stars; one submission).

Allele frequency attached by ClinVar (database versions not stated): ExAC 0.00001; gnomAD 0.00001; gnomAD exomes 0.00001.
gnomAD v4.1: 15 of 1,614,066 alleles (0.00093%); highest among the groups gnomAD compares: Non-Finnish European, 0.0013%; no homozygotes.

Submission:

Labcorp Genetics (formerly Invitae), Labcorp
Classification: Uncertain significance. Last evaluated: 2022-03-10. Review status: criteria provided, single submitter. Criteria: Invitae Variant Classification Sherloc (09022015). Collection method: clinical testing. Allele origin: germline.
Comment: This variant is present in population databases (rs773124245, gnomAD 0.002%). This sequence change replaces histidine, which is basic and polar, with aspartic acid, which is acidic and polar, at codon 387 of the PCARE protein (p.His387Asp). In summary, the available evidence is currently insufficient to determine the role of this variant in disease. Therefore, it has been classified as a Variant of Uncertain Significance. Algorithms developed to predict the effect of missense changes on protein structure and function (SIFT, PolyPhen-2, Align-GVGD) all suggest that this variant is likely to be tolerated. This variant has not been reported in the literature in individuals affected with PCARE-related conditions.

NM_001029883.3(PCARE):c.1159C>G (p.His387Asp)

Gene: PCARE (photoreceptor cilium actin regulator; minus strand). Cytogenetic location: 2p23.2.
Variant type: single nucleotide variant.
Coding change: c.1159C>G on transcript NM_001029883.3 (MANE Select); coding-DNA position 1159, C replaced by G.
Protein change: p.His387Asp; replaces histidine 387 with aspartic acid.
Molecular consequence: missense variant.
Genome position (GRCh38, 1-based): chr2:29,073,103, G>C on the plus strand (C>G on the coding strand, the complement: PCARE is on the minus strand). VCF-style: chr2-29073103-G-C. GRCh37 (hg19) VCF-style: chr2-29295969-G-C.
Other names: short protein forms H387D.
Identifiers: ClinVar variation 1352317 (VCV001352317.8), dbSNP rs773124245, ClinGen allele CA1592485.